The following is an entry in ClinVar:

ClinVar aggregate classification (germline): Likely benign. Review status: criteria provided, multiple submitters, no conflicts (2 of 4 stars). 10 submissions from 10 submitters: Likely benign (6). 4 of the submissions do not count toward it. Last evaluated 2026-03-01.

Conditions:
Cardiovascular phenotype. Identifiers: MedGen CN230736.
SCN10A-related disorder. Also called: SCN10A-related condition.
Brugada syndrome. Also called: Sudden unexpected nocturnal death syndrome; Sudden Unexplained Death Syndrome; Sudden Unexplained Nocturnal Death Syndrome (SUNDS); Sudden unexplained nocturnal death syndrome. Identifiers: Orphanet 130, MedGen C1142166, MONDO:0015263.

Allele frequency attached by ClinVar (database versions not stated): 1000 Genomes Project 30x 0.00016; 1000 Genomes Project 0.00020; ExAC 0.00077; gnomAD exomes 0.00090 and 0.00169; TOPMed 0.00103; gnomAD 0.00118 and 0.00123; ESP Exome Variant Server 0.00161.
gnomAD v4.1: 2,597 of 1,614,190 alleles (0.16%); highest among the groups gnomAD compares: Non-Finnish European, 0.21%; 2 homozygotes.

Submissions (10):

CeGaT Center for Human Genetics Tuebingen
Classification: Likely benign. Last evaluated: 2026-03-01. Review status: criteria provided, single submitter. Criteria: CeGaT Center For Human Genetics Tuebingen Variant Classification Criteria Version 2. Collection method: clinical testing. Allele origin: germline. Affected: yes. Observed: 6 variant alleles.
Comment: SCN10A: BS1

Labcorp Genetics (formerly Invitae), Labcorp
Classification: Likely benign for Brugada syndrome. Last evaluated: 2026-01-11. Review status: criteria provided, single submitter. Criteria: Invitae Variant Classification Sherloc (09022015). Collection method: clinical testing. Allele origin: germline.

Mayo Clinic Laboratories, Mayo Clinic
Classification: Likely benign. Last evaluated: 2025-05-12. Review status: criteria provided, single submitter. Criteria: ACMG Guidelines, 2015. Collection method: clinical testing. Allele origin: germline. Observed: 6 variant alleles.
Comment: BS2, BP4

Blueprint Genetics
Classification: Likely benign. Last evaluated: 2024-11-05. Review status: criteria provided, single submitter. Criteria: ACMG Guidelines, 2015. Collection method: clinical testing. Allele origin: germline.

Ambry Genetics
Classification: Likely benign for Cardiovascular phenotype. Last evaluated: 2018-12-28. Review status: criteria provided, single submitter. Criteria: Ambry Variant Classification Scheme 2023. Collection method: clinical testing. Allele origin: germline.

GeneDx
Classification: Likely benign. Last evaluated: 2018-03-13. Review status: criteria provided, single submitter. Criteria: GeneDx Variant Classification (06012015). Collection method: clinical testing. Allele origin: germline. Affected: yes.
Comment: This variant is considered likely benign or benign based on one or more of the following criteria: it is a conservative change, it occurs at a poorly conserved position in the protein, it is predicted to be benign by multiple in silico algorithms, and/or has population frequency not consistent with disease.

PreventionGenetics, part of Exact Sciences
Classification: Likely benign for SCN10A-related condition. Last evaluated: 2020-06-18. Review status: no assertion criteria provided. Collection method: clinical testing. Allele origin: germline. Not counted in ClinVar's aggregate classification.
Comment: This variant is classified as likely benign based on ACMG/AMP sequence variant interpretation guidelines (Richards et al. 2015 PMID: 25741868, with internal and published modifications).

Clinical Genetics DNA and cytogenetics Diagnostics Lab, Erasmus MC, Erasmus Medical Center
Classification: Likely benign. Review status: no assertion criteria provided. Collection method: clinical testing. Allele origin: germline. Affected: yes. Study: VKGL Data-share Consensus. Not counted in ClinVar's aggregate classification.

Clinical Genetics, Academic Medical Center
Classification: Likely benign. Review status: no assertion criteria provided. Collection method: clinical testing. Allele origin: germline. Affected: yes. Study: VKGL Data-share Consensus. Not counted in ClinVar's aggregate classification.

Joint Genome Diagnostic Labs from Nijmegen and Maastricht, Radboudumc and MUMC+
Classification: Likely benign. Review status: no assertion criteria provided. Collection method: clinical testing. Allele origin: germline. Affected: yes. Study: VKGL Data-share Consensus. Not counted in ClinVar's aggregate classification.

Literature cited by the submitters: PubMed 25691686 (cited by Ambry Genetics).

NM_006514.4(SCN10A):c.2475A>C (p.Glu825Asp)

Gene: SCN10A (sodium voltage-gated channel alpha subunit 10; minus strand). Cytogenetic location: 3p22.2.
Variant type: single nucleotide variant.
Coding change: c.2475A>C on transcript NM_006514.4 (MANE Select); coding-DNA position 2475, A replaced by C.
Protein change: p.Glu825Asp; replaces glutamic acid 825 with aspartic acid.
Molecular consequence: missense variant.
Genome position (GRCh38, 1-based): chr3:38,728,707, T>G on the plus strand (A>C on the coding strand, the complement: SCN10A is on the minus strand). VCF-style: chr3-38728707-T-G. GRCh37 (hg19) VCF-style: chr3-38770198-T-G.
Other names: p.Glu825Asp; c.2475A>C, p.Glu825Asp (NM_001293306.2); c.2181A>C, p.Glu727Asp (NM_001293307.2); short protein forms E825D, E727D.
Identifiers: ClinVar variation 240664 (VCV000240664.40), dbSNP rs146028829, ClinGen allele CA2320532.